The following is an entry in ClinVar:

ClinVar aggregate classification (germline): Benign/Likely benign. Review status: criteria provided, multiple submitters, no conflicts (2 of 4 stars). 6 submissions from 6 submitters: Benign (1); Likely benign (5). Last evaluated 2026-09-21.

Conditions:
Inborn genetic diseases. Identifiers: MedGen C0950123, MeSH D030342.

Allele frequency attached by ClinVar (database versions not stated): gnomAD 0.00015 and 0.00006; TOPMed 0.00017; 1000 Genomes Project 0.00100; gnomAD exomes 0.00014 and 0.00033; ExAC 0.00029; 1000 Genomes Project 30x 0.00078.
gnomAD v4.1: 231 of 1,607,872 alleles (0.014%); highest among the groups gnomAD compares: East Asian, 0.47%; no homozygotes.

Submissions (7):

Molecular Diagnostic Laboratory for Inherited Cardiovascular Disease, Montreal Heart Institute
Classification: Likely benign. Last evaluated: 2026-09-21. Review status: criteria provided, single submitter. Criteria: ACMG Guidelines, 2015. Collection method: clinical testing. Allele origin: germline. Affected: no.
Comment: BS1;BP7

Labcorp Genetics (formerly Invitae), Labcorp
Classification: Benign. Last evaluated: 2026-02-02. Review status: criteria provided, single submitter. Criteria: Invitae Variant Classification Sherloc (09022015). Collection method: clinical testing. Allele origin: germline.

Blueprint Genetics
Classification: Likely benign. Last evaluated: 2024-06-18. Review status: criteria provided, single submitter. Criteria: ACMG Guidelines, 2015. Collection method: clinical testing. Allele origin: germline.

Ambry Genetics
Classification: Likely benign for Inborn genetic diseases. Last evaluated: 2022-02-16. Review status: criteria provided, single submitter. Criteria: Ambry Variant Classification Scheme 2023. Collection method: clinical testing. Allele origin: germline.

GeneDx
Classification: Likely benign. Last evaluated: 2020-07-30. Review status: criteria provided, single submitter. Criteria: GeneDx Variant Classification Process June 2021. Collection method: clinical testing. Allele origin: germline. Affected: yes.

Breakthrough Genomics
Classification: Likely benign. Review status: criteria provided, single submitter. Criteria: ACMG Guidelines, 2015. Collection method: not provided. Allele origin: germline. Inheritance: Autosomal dominant inheritance. Affected: yes.

Dr. Peter K. Rogan Lab, Western University
No classification provided (evidence only). Condition: Gastric cancer. Review status: no classification provided. Collection method: in vitro. Allele origin: not applicable. Functional consequence: retained intron. Not counted in ClinVar's aggregate classification.

NM_005901.6(SMAD2):c.789A>G (p.Leu263=)

Gene: SMAD2 (SMAD family member 2; minus strand). Cytogenetic location: 18q21.1.
Variant type: single nucleotide variant.
Coding change: c.789A>G on transcript NM_005901.6 (MANE Select); coding-DNA position 789, A replaced by G.
Protein change: p.Leu263=; no amino-acid change (leucine 263 retained).
Molecular consequence: synonymous variant.
Genome position (GRCh38, 1-based): chr18:47,848,683, T>C on the plus strand (A>G on the coding strand, the complement: SMAD2 is on the minus strand). VCF-style: chr18-47848683-T-C. GRCh37 (hg19) VCF-style: chr18-45375054-T-C.
Other names: c.789A>G, p.Leu263= (NM_001003652.4); c.699A>G, p.Leu233= (NM_001135937.3).
Identifiers: ClinVar variation 1204483 (VCV001204483.17), dbSNP rs2282656, ClinGen allele CA8956124.